The following is an entry in ClinVar:

NM_001999.4(FBN2):c.1070G>A (p.Arg357Gln)

Gene: FBN2 (fibrillin 2; minus strand). Cytogenetic location: 5q23.3.
Variant type: single nucleotide variant.
Coding change: c.1070G>A on transcript NM_001999.4 (MANE Select); coding-DNA position 1070, G replaced by A.
Protein change: p.Arg357Gln; replaces arginine 357 with glutamine.
Molecular consequence: missense variant.
Genome position (GRCh38, 1-based): chr5:128,408,682, C>T on the plus strand (G>A on the coding strand, the complement: FBN2 is on the minus strand). VCF-style: chr5-128408682-C-T. GRCh37 (hg19) VCF-style: chr5-127744375-C-T.
Other names: short protein forms R357Q.
Identifiers: ClinVar variation 934318 (VCV000934318.11), dbSNP rs773969876, ClinGen allele CA3395903.

ClinVar aggregate classification (germline): Conflicting classifications of pathogenicity. Review status: criteria provided, conflicting classifications (1 of 4 stars). 2 submissions from 2 submitters: Uncertain significance (1); Likely benign (1). Last evaluated 2026-01-25.

Conditions:
Congenital contractural arachnodactyly (CCA). Also called: BEALS SYNDROME; Beals-Hecht syndrome; Arthrogryposis, distal, type 9. Identifiers: Orphanet 115, MedGen C0220668, MONDO:0007363, OMIM 121050.
Familial thoracic aortic aneurysm and aortic dissection (TAAD). Also called: Thoracic aortic aneurysms and dissections. Identifiers: Orphanet 91387, MedGen C4707243, MONDO:0019625.

Allele frequency attached by ClinVar (database versions not stated): gnomAD exomes 0.00001; ExAC 0.00002; TOPMed 0.00002.
gnomAD v4.1: 31 of 1,613,930 alleles (0.0019%); highest among the groups gnomAD compares: South Asian, 0.0077%; no homozygotes.

Submissions (2):

Ambry Genetics
Classification: Uncertain significance for Familial thoracic aortic aneurysm and aortic dissection. Last evaluated: 2026-01-25. Review status: criteria provided, single submitter. Criteria: Ambry Variant Classification Scheme 2023. Collection method: clinical testing. Allele origin: germline.
Comment: The p.R357Q variant (also known as c.1070G>A), located in coding exon 8 of the FBN2 gene, results from a G to A substitution at nucleotide position 1070. The arginine at codon 357 is replaced by glutamine, an amino acid with highly similar properties. This amino acid position is conserved. In addition, this alteration is predicted to be tolerated by in silico analysis. Based on the available evidence, the clinical significance of this variant remains unclear.

Labcorp Genetics (formerly Invitae), Labcorp
Classification: Likely benign for Congenital contractural arachnodactyly. Last evaluated: 2022-07-12. Review status: criteria provided, single submitter. Criteria: Invitae Variant Classification Sherloc (09022015). Collection method: clinical testing. Allele origin: germline.